The following is an entry in ClinVar:

NM_001387220.1(IKZF2):c.-120+1G>A

Gene: IKZF2 (IKAROS family zinc finger 2; minus strand). Cytogenetic location: 2q34.
Variant type: single nucleotide variant.
Coding change: c.-120+1G>A on transcript NM_001387220.1 (MANE Select); the canonical splice donor site of the intron after 120 bases upstream of the start codon, G replaced by A.
Molecular consequence: splice donor variant. On other transcripts: intron variant (2).
Genome position (GRCh38, 1-based): chr2:213,151,412, C>T on the plus strand (G>A on the coding strand, the complement: IKZF2 is on the minus strand). VCF-style: chr2-213151412-C-T. GRCh37 (hg19) VCF-style: chr2-214016136-C-T.
Other names: c.-16+714G>A (NM_001371277.1, NM_001371274.1); c.-16+1G>A (NM_001371276.1); c.-120+1G>A (NM_001079526.2).
Identifiers: ClinVar variation 4992850 (VCV004992850.1).

ClinVar aggregate classification (germline): Uncertain significance (1 of 4 stars; one submission).

Conditions:
IKZF2-related condition.

Submission:

PreventionGenetics, part of Exact Sciences
Classification: Uncertain significance for IKZF2-related condition. Last evaluated: 2026-05-18. Review status: criteria provided, single submitter. Criteria: ACMG Guidelines, 2015. Collection method: clinical testing. Allele origin: germline.
Comment: The IKZF2 c.-120+1G>A variant is located in the 5' untranslated region. To our knowledge, this variant has not been reported in the literature or in a large population database (gnomAD), indicating this variant is rare. At this time, the clinical significance of this variant is uncertain due to the absence of conclusive functional and genetic evidence.